The following is an entry in ClinVar:

NM_000071.3(CBS):c.538G>A (p.Val180Met)

Gene: CBS (cystathionine beta-synthase; minus strand). Cytogenetic location: 21q22.3.
Variant type: single nucleotide variant.
Coding change: c.538G>A on transcript NM_000071.3 (MANE Select); coding-DNA position 538, G replaced by A.
Protein change: p.Val180Met; replaces valine 180 with methionine.
Molecular consequence: missense variant.
Genome position (GRCh38, 1-based): chr21:43,065,515, C>T on the plus strand (G>A on the coding strand, the complement: CBS is on the minus strand). VCF-style: chr21-43065515-C-T. GRCh37 (hg19) VCF-style: chr21-44485625-C-T.
Other names: c.538G>A, p.Val180Met (NM_001178008.3, NM_001178009.3, NM_001320298.2); c.223G>A, p.Val75Met (NM_001321072.1); short protein forms V180M, V75M.
Identifiers: ClinVar variation 643695 (VCV000643695.11), dbSNP rs759402521, ClinGen allele CA321096210.

ClinVar aggregate classification (germline): Uncertain significance. Review status: criteria provided, multiple submitters, no conflicts (2 of 4 stars). 3 submissions from 3 submitters: Uncertain significance (2). 1 of the submissions does not count toward it. Last evaluated 2021-08-31.

Conditions:
Classic homocystinuria. Also called: HOMOCYSTINURIA WITH OR WITHOUT RESPONSE TO PYRIDOXINE; Homocystinuria due to Cystathionine Beta-Synthase Deficiency; Homocystinuria due to CBS deficiency; Cystathionine beta-synthase deficiency; CBS deficiency. Identifiers: Orphanet 394, MedGen C0751202, MONDO:0009352, OMIM 236200.
HYPERHOMOCYSTEINEMIA, THROMBOTIC, CBS-RELATED. Identifiers: MedGen C3150344, OMIM 236200.
Familial thoracic aortic aneurysm and aortic dissection (TAAD). Also called: Thoracic aortic aneurysms and dissections. Identifiers: Orphanet 91387, MedGen C4707243, MONDO:0019625.

Allele frequency attached by ClinVar (database versions not stated): gnomAD exomes 0.00002; gnomAD 0.00003; ExAC 0.00004.

Submissions (3):

Labcorp Genetics (formerly Invitae), Labcorp
Classification: Uncertain significance for HYPERHOMOCYSTEINEMIA, THROMBOTIC, CBS-RELATED. Last evaluated: 2021-08-31. Review status: criteria provided, single submitter. Criteria: Invitae Variant Classification Sherloc (09022015). Collection method: clinical testing. Allele origin: germline.
Comment: This sequence change replaces valine with methionine at codon 180 of the CBS protein (p.Val180Met). The valine residue is moderately conserved and there is a small physicochemical difference between valine and methionine. This variant is present in population databases (rs759402521, ExAC 0.007%). This variant has not been reported in the literature in individuals affected with CBS-related conditions. Algorithms developed to predict the effect of missense changes on protein structure and function are either unavailable or do not agree on the potential impact of this missense change (SIFT: "Tolerated"; PolyPhen-2: "Possibly Damaging"; Align-GVGD: "Class C0"). In summary, the available evidence is currently insufficient to determine the role of this variant in disease. Therefore, it has been classified as a Variant of Uncertain Significance.

Ambry Genetics
Classification: Uncertain significance for Familial thoracic aortic aneurysm and aortic dissection. Last evaluated: 2020-06-08. Review status: criteria provided, single submitter. Criteria: Ambry Variant Classification Scheme 2023. Collection method: clinical testing. Allele origin: germline.
Comment: The p.V180M variant (also known as c.538G>A), located in coding exon 5 of the CBS gene, results from a G to A substitution at nucleotide position 538. The valine at codon 180 is replaced by methionine, an amino acid with highly similar properties. This amino acid position is highly conserved in available vertebrate species. In addition, the in silico prediction for this alteration is inconclusive. Since supporting evidence is limited at this time, the clinical significance of this alteration remains unclear.

Natera, Inc.
Classification: Uncertain significance for Homocystinuria due to cystathionine beta-synthase deficiency. Last evaluated: 2020-09-24. Review status: no assertion criteria provided. Collection method: clinical testing. Allele origin: germline. Not counted in ClinVar's aggregate classification.